The following is an entry in ClinVar:

NM_001015877.2(PHF6):c.125A>G (p.His42Arg)

Gene: PHF6 (PHD finger protein 6; plus strand). Cytogenetic location: Xq26.2.
Variant type: single nucleotide variant.
Coding change: c.125A>G on transcript NM_001015877.2 (MANE Select); coding-DNA position 125, A replaced by G.
Protein change: p.His42Arg; replaces histidine 42 with arginine.
Molecular consequence: missense variant.
Genome position (GRCh38, 1-based): chrX:134,377,742, A>G. VCF-style: chrX-134377742-A-G. GRCh37 (hg19) VCF-style: chrX-133511772-A-G.
Other names: c.125A>G, p.His42Arg (NM_032335.3, NM_032458.3); short protein forms H42R.
Identifiers: ClinVar variation 3390986 (VCV003390986.3).

ClinVar aggregate classification (germline): Likely pathogenic. Review status: criteria provided, single submitter (1 of 4 stars). 2 submissions from 2 submitters: Likely pathogenic (1). 1 of the submissions does not count toward it.

Conditions:
Borjeson-Forssman-Lehmann syndrome (BFLS). Also called: MENTAL RETARDATION, X-LINKED, SYNDROMIC, BORJESON-FORSSMAN-LEHMANN TYPE; MENTAL RETARDATION, EPILEPSY, AND ENDOCRINE DISORDERS; BORJESON SYNDROME. Identifiers: Orphanet 127, MedGen C0265339, MONDO:0010537, OMIM 301900.

Submissions (2):

Clinical Genetics Service, Universitary Hospital 12 de Octubre
Classification: Likely pathogenic for Borjeson-Forssman-Lehmann syndrome. Review status: criteria provided, single submitter. Criteria: ACMG Guidelines, 2015. Collection method: clinical testing. Allele origin: de novo. Affected: yes.

Diagnostics Centre, Carl Von Ossietzky University Oldenburg
Classification: Likely pathogenic for Borjeson-Forssman-Lehmann syndrome. Last evaluated: 2024-06-19. Review status: no assertion criteria provided. Collection method: clinical testing. Allele origin: germline. Affected: yes. Observed: 3 variant alleles. Not counted in ClinVar's aggregate classification.
Comment: The variant PHF6:c.125A>G p.(His42Arg), located in the coding exon 2 of PHF6 gene, results from a adenine to guanine substitution at nucleotide position 125. The histidine residue at protein position 42 is replaced by an arginine. The affected position is located in the functionally relevant PHD-like zinc-binding domain of the PHF6 of the protein. In silico tools predict a severely deleterious effect of the variant in protein structure/function (REVEL = 0,95). The variant has not yet been described in ClinVar. This variant is classified as very rare since it is absent in gnomAD v4.1.0. In summary, the variant is classified as likely pathogenic.